The following is an entry in ClinVar:

ClinVar aggregate classification (germline): Uncertain significance. Review status: criteria provided, multiple submitters, no conflicts (2 of 4 stars). 5 submissions from 5 submitters: Uncertain significance (4). 1 of the submissions does not count toward it. Last evaluated 2025-04-06.

Conditions:
Inborn genetic diseases. Identifiers: MedGen C0950123, MeSH D030342.
Peroxisome biogenesis disorder. Identifiers: Orphanet 79189, MedGen C1832200, MONDO:0019234. Disease mechanism: loss of function.
Zellweger spectrum disorders (ZS). Also called: Zellweger Spectrum Disorder (ZSD); Zellweger Spectrum Disorder; Zellweger Spectrum; Zellweger syndrome. Identifiers: Orphanet 912, MedGen C0043459, MONDO:0019609.

Allele frequency attached by ClinVar (database versions not stated): gnomAD 0.00001; gnomAD exomes 0.00001 and 0.00002; TOPMed 0.00001.
gnomAD v4.1: 12 of 1,536,406 alleles (0.00078%); highest among the groups gnomAD compares: East Asian, 0.024%; no homozygotes.

Submissions (5):

Ambry Genetics
Classification: Uncertain significance for Inborn genetic diseases. Last evaluated: 2025-04-06. Review status: criteria provided, single submitter. Criteria: Ambry Variant Classification Scheme 2023. Collection method: clinical testing. Allele origin: germline.

Mayo Clinic Laboratories, Mayo Clinic
Classification: Uncertain significance. Last evaluated: 2022-08-11. Review status: criteria provided, single submitter. Criteria: ACMG Guidelines, 2015. Collection method: clinical testing. Allele origin: germline. Observed: 1 variant allele.
Comment: PM2

Labcorp Genetics (formerly Invitae), Labcorp
Classification: Uncertain significance for Peroxisome biogenesis disorder. Last evaluated: 2022-04-24. Review status: criteria provided, single submitter. Criteria: Invitae Variant Classification Sherloc (09022015). Collection method: clinical testing. Allele origin: germline.
Comment: This sequence change replaces proline, which is neutral and non-polar, with glutamine, which is neutral and polar, at codon 136 of the PEX6 protein (p.Pro136Gln). This variant is present in population databases (rs376824422, gnomAD 0.03%). This variant has not been reported in the literature in individuals affected with PEX6-related conditions. ClinVar contains an entry for this variant (Variation ID: 502524). Algorithms developed to predict the effect of missense changes on protein structure and function are either unavailable or do not agree on the potential impact of this missense change (SIFT: "Tolerated"; PolyPhen-2: "Possibly Damaging"; Align-GVGD: "Class C0"). Algorithms developed to predict the effect of sequence changes on RNA splicing suggest that this variant may create or strengthen a splice site. In summary, the available evidence is currently insufficient to determine the role of this variant in disease. Therefore, it has been classified as a Variant of Uncertain Significance.

Eurofins Ntd Llc (ga)
Classification: Uncertain significance. Last evaluated: 2017-06-09. Review status: criteria provided, single submitter. Criteria: EGL Classification Definitions 2015. Collection method: clinical testing. Allele origin: germline. Observed: 2 variant alleles, 2 heterozygotes.

Natera, Inc.
Classification: Uncertain significance for Zellweger syndrome. Last evaluated: 2019-10-28. Review status: no assertion criteria provided. Collection method: clinical testing. Allele origin: germline. Not counted in ClinVar's aggregate classification.

NM_000287.4(PEX6):c.407C>A (p.Pro136Gln)

Gene: PEX6 (peroxisomal biogenesis factor 6; minus strand). Cytogenetic location: 6p21.1.
Variant type: single nucleotide variant.
Coding change: c.407C>A on transcript NM_000287.4 (MANE Select); coding-DNA position 407, C replaced by A.
Protein change: p.Pro136Gln; replaces proline 136 with glutamine.
Molecular consequence: missense variant. On other transcripts: non-coding transcript variant (1).
Genome position (GRCh38, 1-based): chr6:42,978,744, G>T on the plus strand (C>A on the coding strand, the complement: PEX6 is on the minus strand). VCF-style: chr6-42978744-G-T. GRCh37 (hg19) VCF-style: chr6-42946482-G-T.
Other names: p.Pro136Gln; c.407C>A, p.Pro136Gln (NM_001316313.2); short protein forms P136Q.
Identifiers: ClinVar variation 502524 (VCV000502524.11), dbSNP rs376824422, ClinGen allele CA138238306.